The following is an entry in ClinVar:

ClinVar aggregate classification (germline): Uncertain significance. Review status: criteria provided, multiple submitters, no conflicts (2 of 4 stars). 4 submissions from 4 submitters: Uncertain significance (4). Last evaluated 2024-07-19.

Conditions:
Inborn genetic diseases. Identifiers: MedGen C0950123, MeSH D030342.
Aicardi-Goutieres syndrome 4. Identifiers: Orphanet 51, MedGen C1835912, MONDO:0012472, OMIM 610333.

Allele frequency attached by ClinVar (database versions not stated): gnomAD below 0.00001 and 0.00001; gnomAD exomes 0.00002 and 0.00003; ExAC 0.00003.
gnomAD v4.1: 28 of 1,614,072 alleles (0.0017%); highest among the groups gnomAD compares: South Asian, 0.022%; no homozygotes.

Submissions (4):

Blueprint Genetics
Classification: Uncertain significance. Last evaluated: 2024-07-19. Review status: criteria provided, single submitter. Criteria: ACMG Guidelines, 2015. Collection method: clinical testing. Allele origin: germline.

Neuberg Centre For Genomic Medicine, NCGM
Classification: Uncertain significance for Aicardi-Goutieres syndrome 4. Last evaluated: 2023-07-22. Review status: criteria provided, single submitter. Criteria: ACMG Guidelines, 2015. Collection method: clinical testing. Allele origin: germline. Inheritance: Autosomal recessive inheritance. Affected: yes.
Comment: The observed missense variant c.227G>Ap.Arg76Gln in RNASEH2A gene has not been reported previously as a pathogenic variant nor as a benign variant, to our knowledge. This variant is reported with 0.002% allele frequency in gnomAD Exomes. It has been submitted to ClinVar as Uncertain Significance. The amino acid Arg at position 76 is changed to a Gln changing protein sequence and it might alter its composition and physico-chemical properties. Multiple lines of computational evidence Polyphen-probably damaging, SIFT-damaging and Mutation Taster-disease causing predict a damaging effect on protein structure and function for this variant. The reference amino acid p.Arg76Gln in RNASEH2A is predicted as conserved by GERP++ and PhyloP across 100 vertebrates. For these reasons, this variant has been classified as Uncertain Significance. In the absence of another reportable variant, the molecular diagnosis is not confirmed

Ambry Genetics
Classification: Uncertain significance for Inborn genetic diseases. Last evaluated: 2023-02-17. Review status: criteria provided, single submitter. Criteria: Ambry Variant Classification Scheme 2023. Collection method: clinical testing. Allele origin: germline.

Labcorp Genetics (formerly Invitae), Labcorp
Classification: Uncertain significance for Aicardi-Goutieres syndrome 4. Last evaluated: 2022-10-24. Review status: criteria provided, single submitter. Criteria: Invitae Variant Classification Sherloc (09022015). Collection method: clinical testing. Allele origin: germline.
Comment: This sequence change replaces arginine, which is basic and polar, with glutamine, which is neutral and polar, at codon 76 of the RNASEH2A protein (p.Arg76Gln). This variant is present in population databases (rs747608935, gnomAD 0.02%). This variant has not been reported in the literature in individuals affected with RNASEH2A-related conditions. ClinVar contains an entry for this variant (Variation ID: 861478). Advanced modeling of protein sequence and biophysical properties (such as structural, functional, and spatial information, amino acid conservation, physicochemical variation, residue mobility, and thermodynamic stability) performed at Invitae indicates that this missense variant is expected to disrupt RNASEH2A protein function. In summary, the available evidence is currently insufficient to determine the role of this variant in disease. Therefore, it has been classified as a Variant of Uncertain Significance.

NM_006397.3(RNASEH2A):c.227G>A (p.Arg76Gln)

Gene: RNASEH2A (ribonuclease H2 subunit A; plus strand). Cytogenetic location: 19p13.13.
Variant type: single nucleotide variant.
Coding change: c.227G>A on transcript NM_006397.3 (MANE Select); coding-DNA position 227, G replaced by A.
Protein change: p.Arg76Gln; replaces arginine 76 with glutamine.
Molecular consequence: missense variant.
Genome position (GRCh38, 1-based): chr19:12,807,233, G>A. VCF-style: chr19-12807233-G-A. GRCh37 (hg19) VCF-style: chr19-12918047-G-A.
Other names: short protein forms R76Q.
Identifiers: ClinVar variation 861478 (VCV000861478.8), dbSNP rs747608935, ClinGen allele CA9231802.